The following is an entry in ClinVar:

ClinVar aggregate classification (germline): Likely pathogenic. Review status: criteria provided, single submitter (1 of 4 stars). 2 submissions from 2 submitters: Likely pathogenic (1). 1 of the submissions does not count toward it. Last evaluated 2024-10-04.

Conditions:
Autosomal recessive congenital ichthyosis 11. Identifiers: Orphanet 91132, MedGen C1835851, MONDO:0011218, OMIM 602400.
Ichthyosis. Also called: Ichthyosis (disease). Identifiers: Orphanet 79354, MedGen C0020757, MONDO:0019269, HP:0008064.

Submissions (2):

Dubai Health Genomic Medicine Center, Dubai Health
Classification: Likely pathogenic for Ichthyosis. Last evaluated: 2024-10-04. Review status: criteria provided, single submitter. Criteria: ACMG Guidelines, 2015. Collection method: research. Allele origin: germline. Affected: yes.
Comment: PVS1,PP1,PM3

OMIM
Classification: Pathogenic for ICHTHYOSIS, CONGENITAL, AUTOSOMAL RECESSIVE 11. Last evaluated: 2009-04-01. Review status: no assertion criteria provided. Collection method: literature only. Allele origin: germline. Not counted in ClinVar's aggregate classification.

Literature cited by the submitters: PubMed 9450882 (cited by OMIM); PubMed 18843291 (cited by OMIM).

NM_021978.4(ST14):c.2269+1G>A

Gene: ST14 (ST14 transmembrane serine protease matriptase; plus strand). Cytogenetic location: 11q24.3.
Variant type: single nucleotide variant.
Coding change: c.2269+1G>A on transcript NM_021978.4 (MANE Select); the canonical splice donor site of the intron after coding-DNA position 2269, G replaced by A.
Molecular consequence: splice donor variant.
Genome position (GRCh38, 1-based): chr11:130,208,685, G>A. VCF-style: chr11-130208685-G-A. GRCh37 (hg19) VCF-style: chr11-130078580-G-A.
Other names: IVSDS17, G-A, +1.
Identifiers: ClinVar variation 126419 (VCV000126419.3), dbSNP rs587777262, ClinGen allele CA151132.